The following is an entry in ClinVar:

ClinVar aggregate classification (germline): Conflicting classifications of pathogenicity. Review status: criteria provided, conflicting classifications (1 of 4 stars). 3 submissions from 3 submitters: Uncertain significance (2); Likely benign (1). Last evaluated 2024-03-19.

Conditions:
Inborn genetic diseases. Identifiers: MedGen C0950123, MeSH D030342.

Allele frequency attached by ClinVar (database versions not stated): gnomAD 0.00002; TOPMed 0.00003; ExAC 0.00004.

Submissions (3):

Ambry Genetics
Classification: Uncertain significance for Inborn genetic diseases. Last evaluated: 2024-03-19. Review status: criteria provided, single submitter. Criteria: Ambry Variant Classification Scheme 2023. Collection method: clinical testing. Allele origin: germline.

Labcorp Genetics (formerly Invitae), Labcorp
Classification: Uncertain significance. Last evaluated: 2023-08-10. Review status: criteria provided, single submitter. Criteria: Invitae Variant Classification Sherloc (09022015). Collection method: clinical testing. Allele origin: germline.
Comment: In summary, the available evidence is currently insufficient to determine the role of this variant in disease. Therefore, it has been classified as a Variant of Uncertain Significance. An algorithm developed to predict the effect of missense changes on protein structure and function (PolyPhen-2) suggests that this variant is likely to be disruptive. ClinVar contains an entry for this variant (Variation ID: 837467). This variant has not been reported in the literature in individuals affected with VCAN-related conditions. This variant is present in population databases (rs369039737, gnomAD 0.02%). This sequence change replaces valine, which is neutral and non-polar, with isoleucine, which is neutral and non-polar, at codon 3112 of the VCAN protein (p.Val3112Ile).

Blueprint Genetics
Classification: Likely benign. Last evaluated: 2023-02-15. Review status: criteria provided, single submitter. Criteria: ACMG Guidelines, 2015. Collection method: clinical testing. Allele origin: germline.

NM_004385.5(VCAN):c.9334G>A (p.Val3112Ile)

Genes: VCAN (versican; plus strand), VCAN-AS1 (VCAN antisense RNA 1; minus strand). Cytogenetic location: 5q14.3.
Variant type: single nucleotide variant.
Coding change: c.9334G>A on transcript NM_004385.5 (MANE Select); coding-DNA position 9334, G replaced by A.
Protein change: p.Val3112Ile; replaces valine 3112 with isoleucine.
Molecular consequence: missense variant.
Genome position (GRCh38, 1-based): chr5:83,545,605, G>A. VCF-style: chr5-83545605-G-A. GRCh37 (hg19) VCF-style: chr5-82841424-G-A.
Other names: c.1111G>A, p.Val371Ile (NM_001126336.3); c.6373G>A, p.Val2125Ile (NM_001164097.2); c.4072G>A, p.Val1358Ile (NM_001164098.2); short protein forms V2125I, V371I, V1358I, V3112I.
Identifiers: ClinVar variation 837467 (VCV000837467.11), dbSNP rs369039737, ClinGen allele CA3333974.
Genomic context (GRCh38, chr5:83,545,605, plus strand): 5'-CGCTGCAAAATGAACCCGTGCCTTAACGGAGGCACCTGTTATCCTACTGAAACTTCCTAC[G>A]TATGCACCTGTGTGCCAGGATACAGCGGAGACCAGTGTGAACTTGGTAAGATGGTACTTG-3'
Protein context (NP_004376.2, residues 3102-3122): GTCYPTETSY[Val3112Ile]CTCVPGYSGD